The following is an entry in ClinVar:

ClinVar aggregate classification (germline): Uncertain significance (1 of 4 stars; one submission).

Conditions:
Autosomal recessive nonsyndromic hearing loss 16. Also called: DFNB16 Nonsyndromic Hearing Loss and Deafness; DEAFNESS, AUTOSOMAL RECESSIVE 16. Identifiers: Orphanet 90636, MedGen C1863561, MONDO:0011364, OMIM 603720.

Submission:

3billion
Classification: Uncertain significance for Autosomal recessive nonsyndromic hearing loss 16. Last evaluated: 2024-08-01. Review status: criteria provided, single submitter. Criteria: ACMG Guidelines, 2015. Collection method: clinical testing. Allele origin: germline. Affected: yes.
Comment: The variant is observed at an extremely low frequency in the gnomAD v4.0.0 dataset (total allele frequency: <0.001%). Predicted Consequence/Location: The majority of the known disease-causing variants of this gene are variants expected to result in premature termination of the protein. Damaging effect on gene or gene product predicted by in silico programs is uncertain [REVEL: 0.53 (damaging >=0.6, benign <0.4), 3Cnet: 0.00 (damaging >=0.6, benign <0.15)]. A different missense change at the same codon (p.Gly1518Val) has been reported to be associated with STRC related disorder (PMID: 35022556). However the evidence of pathogenicity is insufficient at this time. Therefore, this variant is classified as VUS according to the recommendation of ACMG/AMP guideline.

Literature cited by the submitters: PubMed 35022556.

NM_153700.2(STRC):c.4552G>A (p.Gly1518Ser)

Gene: STRC (stereocilin; minus strand). Cytogenetic location: 15q15.3.
Variant type: single nucleotide variant.
Coding change: c.4552G>A on transcript NM_153700.2 (MANE Select); coding-DNA position 4552, G replaced by A.
Protein change: p.Gly1518Ser; replaces glycine 1518 with serine.
Molecular consequence: missense variant.
Genome position (GRCh38, 1-based): chr15:43,601,545, C>T on the plus strand (G>A on the coding strand, the complement: STRC is on the minus strand). VCF-style: chr15-43601545-C-T. GRCh37 (hg19) VCF-style: chr15-43893743-C-T.
Other names: short protein forms G1518S.
Identifiers: ClinVar variation 4072300 (VCV004072300.1).